The following is an entry in ClinVar:

NM_006245.4(PPP2R5D):c.429G>A (p.Glu143=)

Gene: PPP2R5D (protein phosphatase 2 regulatory subunit B'delta; plus strand). Cytogenetic location: 6p21.1.
Variant type: single nucleotide variant.
Coding change: c.429G>A on transcript NM_006245.4 (MANE Select); coding-DNA position 429, G replaced by A.
Protein change: p.Glu143=; no amino-acid change (glutamic acid 143 retained).
Molecular consequence: synonymous variant. On other transcripts: 5 prime UTR variant (1).
Genome position (GRCh38, 1-based): chr6:43,007,017, G>A. VCF-style: chr6-43007017-G-A. GRCh37 (hg19) VCF-style: chr6-42974755-G-A.
Other names: c.-25G>A (NM_001270476.2); c.333G>A, p.Glu111= (NM_180976.3); c.111G>A, p.Glu37= (NM_180977.3).
Identifiers: ClinVar variation 2776851 (VCV002776851.3), dbSNP rs1350254975, ClinGen allele CA450367163.

ClinVar aggregate classification (germline): Uncertain significance (1 of 4 stars; one submission).

Allele frequency attached by ClinVar (database versions not stated): gnomAD exomes below 0.00001; TOPMed 0.00001.
gnomAD v4.1: 2 of 1,614,194 alleles (0.00012%); highest among the groups gnomAD compares: African/African-American, 0.0013%; no homozygotes.

Submission:

Labcorp Genetics (formerly Invitae), Labcorp
Classification: Uncertain significance. Last evaluated: 2023-08-17. Review status: criteria provided, single submitter. Criteria: Invitae Variant Classification Sherloc (09022015). Collection method: clinical testing. Allele origin: germline.
Comment: Algorithms developed to predict the effect of sequence changes on RNA splicing suggest that this variant may disrupt the consensus splice site. In summary, the available evidence is currently insufficient to determine the role of this variant in disease. Therefore, it has been classified as a Variant of Uncertain Significance. This variant has not been reported in the literature in individuals affected with PPP2R5D-related conditions. This sequence change affects codon 143 of the PPP2R5D mRNA. It is a 'silent' change, meaning that it does not change the encoded amino acid sequence of the PPP2R5D protein. This variant is not present in population databases (gnomAD no frequency).